The following is an entry in ClinVar:

NM_001387283.1(SMARCA4):c.4237G>A (p.Gly1413Ser)

Gene: SMARCA4 (SWI/SNF related BAF chromatin remodeling complex subunit ATPase 4; plus strand). Cytogenetic location: 19p13.2.
Variant type: single nucleotide variant.
Coding change: c.4237G>A on transcript NM_001387283.1 (MANE Plus Clinical); coding-DNA position 4237, G replaced by A.
Protein change: p.Gly1413Ser; replaces glycine 1413 with serine.
Molecular consequence: missense variant. On other transcripts: intron variant (7).
Genome position (GRCh38, 1-based): chr19:11,039,524, G>A. VCF-style: chr19-11039524-G-A. GRCh37 (hg19) VCF-style: chr19-11150200-G-A.
Other names: c.4237G>A, p.Gly1413Ser (NM_001128849.3); c.4138G>A, p.Gly1380Ser (NM_001411150.1); c.4171-1783G>A (NM_001128844.3, NM_003072.5); c.4072-1783G>A (NM_001128847.4, NM_001374457.1, NM_001128848.2); c.4072-1774G>A (NM_001128845.2, NM_001128846.2); c.4237G>A (NM_001128849.1); short protein forms G1380S, G1413S.
Identifiers: ClinVar variation 2088777 (VCV002088777.6), dbSNP rs779485266, ClinGen allele CA9204639.

ClinVar aggregate classification (germline): Uncertain significance. Review status: criteria provided, multiple submitters, no conflicts (2 of 4 stars). 2 submissions from 2 submitters: Uncertain significance (2). Last evaluated 2023-06-30.

Conditions:
Hereditary cancer-predisposing syndrome. Also called: Tumor predisposition; Hereditary Cancer Syndrome; Hereditary neoplastic syndrome; Neoplastic Syndromes, Hereditary. Identifiers: Orphanet 140162, MedGen C0027672, MeSH D009386, MONDO:0015356.
Rhabdoid tumor predisposition syndrome 2 (RTPS2). Identifiers: Orphanet 231108, Orphanet 69077, MedGen C2750074, MONDO:0013224, OMIM 613325.

Allele frequency attached by ClinVar (database versions not stated): gnomAD exomes below 0.00001.
gnomAD v4.1: 1 of 1,604,138 alleles (0.000062%); highest among the groups gnomAD compares: Non-Finnish European, 0.000085%; no homozygotes.

Submissions (2):

Ambry Genetics
Classification: Uncertain significance for Hereditary cancer-predisposing syndrome. Last evaluated: 2023-06-30. Review status: criteria provided, single submitter. Criteria: Ambry Variant Classification Scheme 2023. Collection method: clinical testing. Allele origin: germline.
Comment: The p.G1413S variant (also known as c.4237G>A), located in coding exon 29 of the SMARCA4 gene, results from a G to A substitution at nucleotide position 4237. The glycine at codon 1413 is replaced by serine, an amino acid with similar properties. This amino acid position is well conserved in available vertebrate species. In addition, this alteration is predicted to be tolerated by in silico analysis. Missense and in-frame variants in SMARCA4 are known to cause neurodevelopmental disorders; however, such associations with rhabdoid tumor predisposition syndrome including small cell carcinoma of the ovary-hypercalcemic type (SCCOHT) are exceedingly rare (Kosho T et al. Am J Med Genet C Semin Med Genet. 2014 Sep;166C(3):262-75; Jelinic P et al. Nat Genet. 2014 May;46(5):424-6). Based on the supporting evidence, the association of this alteration with Coffin-Siris syndrome is unknown; however, the association of this alteration with rhabdoid tumor predisposition syndrome is unlikely.

Labcorp Genetics (formerly Invitae), Labcorp
Classification: Uncertain significance for Rhabdoid tumor predisposition syndrome 2. Last evaluated: 2022-01-21. Review status: criteria provided, single submitter. Criteria: Invitae Variant Classification Sherloc (09022015). Collection method: clinical testing. Allele origin: germline.
Comment: This sequence change replaces glycine, which is neutral and non-polar, with serine, which is neutral and polar, at codon 1413 of the SMARCA4 protein (p.Gly1413Ser). This variant is not present in population databases (gnomAD no frequency). This variant has not been reported in the literature in individuals affected with SMARCA4-related conditions. Algorithms developed to predict the effect of missense changes on protein structure and function (SIFT, PolyPhen-2, Align-GVGD) all suggest that this variant is likely to be tolerated. In summary, the available evidence is currently insufficient to determine the role of this variant in disease. Therefore, it has been classified as a Variant of Uncertain Significance.